The following is an entry in ClinVar:

ClinVar aggregate classification (germline): Uncertain significance (1 of 4 stars; one submission).

Conditions:
Long QT syndrome (LQTS). Identifiers: MedGen C0023976, MeSH D008133, MONDO:0002442. Disease mechanism: loss of function. Inheritance: Various modes of inheritance.

Submission:

Labcorp Genetics (formerly Invitae), Labcorp
Classification: Uncertain significance for Long QT syndrome. Last evaluated: 2021-02-04. Review status: criteria provided, single submitter. Criteria: Invitae Variant Classification Sherloc (09022015). Collection method: clinical testing. Allele origin: germline.
Comment: This sequence change replaces tyrosine with histidine at codon 493 of the KCNH2 protein (p.Tyr493His). The tyrosine residue is highly conserved and there is a moderate physicochemical difference between tyrosine and histidine. This variant is not present in population databases (ExAC no frequency). In summary, the available evidence is currently insufficient to determine the role of this variant in disease. Therefore, it has been classified as a Variant of Uncertain Significance. The observation of one or more missense substitutions at this codon (p.Tyr493Cys and p.Tyr493Phe) in affected individuals suggests that this may be a clinically significant residue (PMID: 22949429, 14998624, 19668779). Algorithms developed to predict the effect of missense changes on protein structure and function (SIFT, PolyPhen-2, Align-GVGD) all suggest that this variant is likely to be disruptive, but these predictions have not been confirmed by published functional studies and their clinical significance is uncertain. This variant has been observed in an individual referred for genetic testing for long QT syndrome (PMID: 23631430).

Literature cited by the submitters: PubMed 22949429; PubMed 14998624; PubMed 19668779; PubMed 23631430.

NM_000238.4(KCNH2):c.1477T>C (p.Tyr493His)

Gene: KCNH2 (potassium voltage-gated channel subfamily H member 2; minus strand). Cytogenetic location: 7q36.1.
Variant type: single nucleotide variant.
Coding change: c.1477T>C on transcript NM_000238.4 (MANE Select); coding-DNA position 1477, T replaced by C.
Protein change: p.Tyr493His; replaces tyrosine 493 with histidine.
Molecular consequence: missense variant.
Genome position (GRCh38, 1-based): chr7:150,952,505, A>G on the plus strand (T>C on the coding strand, the complement: KCNH2 is on the minus strand). VCF-style: chr7-150952505-A-G. GRCh37 (hg19) VCF-style: chr7-150649593-A-G.
Other names: c.457T>C, p.Tyr153His (NM_001204798.2, NM_172057.3); c.1189T>C, p.Tyr397His (NM_001406753.1, NM_001406756.1); c.1300T>C, p.Tyr434His (NM_001406755.1); c.1177T>C, p.Tyr393His (NM_001406757.1); c.1477T>C, p.Tyr493His (NM_172056.3); short protein forms Y493H, Y153H, Y393H, Y434H, Y397H.
Identifiers: ClinVar variation 658590 (VCV000658590.9), dbSNP rs1584856217, ClinGen allele CA369859679.